The following is an entry in ClinVar:

ClinVar aggregate classification (germline): Uncertain significance (1 of 4 stars; one submission).

Conditions:
Lethal multiple pterygium syndrome (LMPS). Identifiers: Orphanet 33108, MedGen C1854678, MONDO:0009668, OMIM 253290.

Submission:

Labcorp Genetics (formerly Invitae), Labcorp
Classification: Uncertain significance for Lethal multiple pterygium syndrome. Last evaluated: 2022-10-15. Review status: criteria provided, single submitter. Criteria: Invitae Variant Classification Sherloc (09022015). Collection method: clinical testing. Allele origin: germline.
Comment: This sequence change replaces arginine, which is basic and polar, with glycine, which is neutral and non-polar, at codon 191 of the CHRND protein (p.Arg191Gly). This variant is not present in population databases (gnomAD no frequency). This variant has not been reported in the literature in individuals affected with CHRND-related conditions. Advanced modeling of protein sequence and biophysical properties (such as structural, functional, and spatial information, amino acid conservation, physicochemical variation, residue mobility, and thermodynamic stability) performed at Invitae indicates that this missense variant is not expected to disrupt CHRND protein function. In summary, the available evidence is currently insufficient to determine the role of this variant in disease. Therefore, it has been classified as a Variant of Uncertain Significance.

NM_000751.3(CHRND):c.571C>G (p.Arg191Gly)

Gene: CHRND (cholinergic receptor nicotinic delta subunit; plus strand). Cytogenetic location: 2q37.1.
Variant type: single nucleotide variant.
Coding change: c.571C>G on transcript NM_000751.3 (MANE Select); coding-DNA position 571, C replaced by G.
Protein change: p.Arg191Gly; replaces arginine 191 with glycine.
Molecular consequence: missense variant. On other transcripts: intron variant (1).
Genome position (GRCh38, 1-based): chr2:232,528,923, C>G. VCF-style: chr2-232528923-C-G. GRCh37 (hg19) VCF-style: chr2-233393633-C-G.
Other names: c.526C>G, p.Arg176Gly (NM_001256657.2); c.268C>G, p.Arg90Gly (NM_001311196.2); c.238+267C>G (NM_001311195.2); short protein forms R176G, R191G, R90G.
Identifiers: ClinVar variation 1947960 (VCV001947960.5), dbSNP rs778217557, ClinGen allele CA350999064.